The following is an entry in ClinVar:

ClinVar aggregate classification (germline): Pathogenic (1 of 4 stars; one submission).

Conditions:
Hereditary cancer-predisposing syndrome. Also called: Neoplastic Syndromes, Hereditary; Tumor predisposition; Hereditary Cancer Syndrome; Hereditary neoplastic syndrome. Identifiers: Orphanet 140162, MedGen C0027672, MeSH D009386, MONDO:0015356.

Submission:

Ambry Genetics
Classification: Pathogenic for Hereditary cancer-predisposing syndrome. Last evaluated: 2018-07-06. Review status: criteria provided, single submitter. Criteria: Ambry Variant Classification Scheme 2023. Collection method: clinical testing. Allele origin: germline.
Comment: The c.3665dupC pathogenic mutation, located in coding exon 15 of the APC gene, results from a duplication of C at nucleotide position 3665, causing a translational frameshift with a predicted alternate stop codon (p.S1223Ifs*2). This alteration is expected to result in loss of function by premature protein truncation. As such, this alteration is interpreted as a disease-causing mutation.

NM_000038.6(APC):c.3665dup (p.Ser1223fs)

Gene: APC (APC regulator of Wnt signaling pathway; plus strand). Cytogenetic location: 5q22.2.
Variant type: Duplication.
Coding change: c.3665dup on transcript NM_000038.6 (MANE Select); coding-DNA position 3665, one base duplicated (C; older notation c.3665dupC).
Protein change: p.Ser1223fs; shifts the reading frame from serine 1223.
Molecular consequence: frameshift variant.
Genome position (GRCh38, 1-based): chr5:112,839,259, C duplicated. VCF-style (leftmost placement, unchanged base first): chr5-112839258-T-TC. GRCh37 (hg19) VCF-style: chr5-112174955-T-TC.
Other names: c.3665dup, p.Ser1223fs (NM_001127510.3, NM_001354895.2); c.3611dup, p.Ser1205fs (NM_001127511.3); c.3719dup, p.Ser1241fs (NM_001354896.2); c.3695dup, p.Ser1233fs (NM_001354897.2); c.3590dup, p.Ser1198fs (NM_001354898.2); c.3581dup, p.Ser1195fs (NM_001354899.2); c.3542dup, p.Ser1182fs (NM_001354900.2); c.3488dup, p.Ser1164fs (NM_001354901.2); and 16 more; short protein forms S1097fs, S1132fs, S1205fs, S1164fs, S1182fs, S1223fs, S940fs, S1063fs.
Identifiers: ClinVar variation 1733718 (VCV001733718.2), dbSNP rs2533515299, ClinGen allele CA2580072965.